The following is an entry in ClinVar:

ClinVar aggregate classification (germline): Pathogenic/Likely pathogenic. Review status: criteria provided, multiple submitters, no conflicts (2 of 4 stars). 2 submissions from 2 submitters: Pathogenic (1); Likely pathogenic (1). Last evaluated 2025-12-22.

Conditions:
BTK-related disorder. Also called: BTK-related condition.
X-linked agammaglobulinemia with growth hormone deficiency (IGHD3). Also called: AGAMMAGLOBULINEMIA AND ISOLATED GROWTH HORMONE DEFICIENCY, X-LINKED; HYPOGAMMAGLOBULINEMIA AND ISOLATED GROWTH HORMONE DEFICIENCY, X-LINKED; IGHD III; FLEISHER SYNDROME; Isolated growth hormone deficiency type 3; Growth hormone deficiency with hypogammaglobulinemia. Identifiers: Orphanet 231692, Orphanet 631, MedGen C0472813, MONDO:0010615, OMIM 307200.

Submissions (2):

Labcorp Genetics (formerly Invitae), Labcorp
Classification: Pathogenic for X-linked agammaglobulinemia with growth hormone deficiency. Last evaluated: 2025-12-22. Review status: criteria provided, single submitter. Criteria: Invitae Variant Classification Sherloc (09022015). Collection method: clinical testing. Allele origin: germline.
Comment: This sequence change replaces tyrosine, which is neutral and polar, with histidine, which is basic and polar, at codon 112 of the BTK protein (p.Tyr112His). This variant is not present in population databases (gnomAD no frequency). This missense change has been observed in individuals with X-linked agammaglobulinemia (PMID: 12217331, 29424453; internal data). ClinVar contains an entry for this variant (Variation ID: 840044). Invitae Evidence Modeling of protein sequence and biophysical properties (such as structural, functional, and spatial information, amino acid conservation, physicochemical variation, residue mobility, and thermodynamic stability) indicates that this missense variant is expected to disrupt BTK protein function with a positive predictive value of 95%. For these reasons, this variant has been classified as Pathogenic.

PreventionGenetics, part of Exact Sciences
Classification: Likely pathogenic for BTK-related condition. Last evaluated: 2025-04-07. Review status: criteria provided, single submitter. Criteria: ACMG Guidelines, 2015. Collection method: clinical testing. Allele origin: germline.
Comment: The BTK c.334T>C variant is predicted to result in the amino acid substitution p.Tyr112His. This variant has been reported in individuals affected with agammaglobulinemia (Plebani et al. 2002. PubMed ID: 12217331; Esenboga et al. 2018. PubMed ID: 29424453). This variant has not been reported in a large population database (gnomAD), indicating this variant is rare. This variant is interpreted as likely pathogenic.

Literature cited by the submitters: PubMed 12217331 (cited by Labcorp Genetics (formerly Invitae), Labcorp); PubMed 29424453 (cited by Labcorp Genetics (formerly Invitae), Labcorp).

NM_000061.3(BTK):c.334T>C (p.Tyr112His)

Gene: BTK (Bruton tyrosine kinase; minus strand). Cytogenetic location: Xq22.1.
Variant type: single nucleotide variant.
Coding change: c.334T>C on transcript NM_000061.3 (MANE Select); coding-DNA position 334, T replaced by C.
Protein change: p.Tyr112His; replaces tyrosine 112 with histidine.
Molecular consequence: missense variant.
Genome position (GRCh38, 1-based): chrX:101,370,055, A>G on the plus strand (T>C on the coding strand, the complement: BTK is on the minus strand). VCF-style: chrX-101370055-A-G. GRCh37 (hg19) VCF-style: chrX-100625043-A-G.
Other names: c.436T>C, p.Tyr146His (NM_001287344.2); c.334T>C, p.Tyr112His (NM_001287345.2); short protein forms Y112H, Y146H.
Identifiers: ClinVar variation 840044 (VCV000840044.11), dbSNP rs1926977049, ClinGen allele CA413937245.